The following is an entry in ClinVar:

ClinVar aggregate classification (germline): Uncertain significance (1 of 4 stars; one submission).

Conditions:
Hereditary cancer-predisposing syndrome. Also called: Tumor predisposition; Neoplastic Syndromes, Hereditary; Hereditary neoplastic syndrome; Hereditary Cancer Syndrome. Identifiers: Orphanet 140162, MedGen C0027672, MeSH D009386, MONDO:0015356.

Submission:

Ambry Genetics
Classification: Uncertain significance for Hereditary cancer-predisposing syndrome. Last evaluated: 2025-08-19. Review status: criteria provided, single submitter. Criteria: Ambry Variant Classification Scheme 2023. Collection method: clinical testing. Allele origin: germline.
Comment: The p.K247E variant (also known as c.739A>G), located in coding exon 4 of the KIT gene, results from an A to G substitution at nucleotide position 739. The lysine at codon 247 is replaced by glutamic acid, an amino acid with similar properties. This amino acid position is conserved. In addition, this alteration is predicted to be tolerated by in silico analysis. Based on the available evidence, the clinical significance of this variant remains unclear.

NM_000222.3(KIT):c.739A>G (p.Lys247Glu)

Gene: KIT (KIT proto-oncogene, receptor tyrosine kinase; plus strand). Cytogenetic location: 4q12.
Variant type: single nucleotide variant.
Coding change: c.739A>G on transcript NM_000222.3 (MANE Select); coding-DNA position 739, A replaced by G.
Protein change: p.Lys247Glu; replaces lysine 247 with glutamic acid.
Molecular consequence: missense variant.
Genome position (GRCh38, 1-based): chr4:54,699,749, A>G. VCF-style: chr4-54699749-A-G. GRCh37 (hg19) VCF-style: chr4-55565915-A-G.
Other names: c.739A>G, p.Lys247Glu (NM_001093772.2, NM_001385284.1, NM_001385285.1 and 4 more transcripts); short protein forms K247E.
Identifiers: ClinVar variation 4093195 (VCV004093195.1).